The following is an entry in ClinVar:

ClinVar aggregate classification (germline): Uncertain significance (1 of 4 stars; one submission).

Conditions:
Hereditary cancer-predisposing syndrome. Also called: Tumor predisposition; Hereditary neoplastic syndrome; Hereditary Cancer Syndrome; Neoplastic Syndromes, Hereditary. Identifiers: Orphanet 140162, MedGen C0027672, MeSH D009386, MONDO:0015356.

Submission:

Ambry Genetics
Classification: Uncertain significance for Hereditary cancer-predisposing syndrome. Last evaluated: 2024-03-09. Review status: criteria provided, single submitter. Criteria: Ambry Variant Classification Scheme 2023. Collection method: clinical testing. Allele origin: germline.
Comment: The p.D1188N variant (also known as c.3562G>A), located in coding exon 18 of the BLM gene, results from a G to A substitution at nucleotide position 3562. The aspartic acid at codon 1188 is replaced by asparagine, an amino acid with highly similar properties. This amino acid position is conserved. In addition, this alteration is predicted to be tolerated by in silico analysis. Based on the available evidence, the clinical significance of this alteration remains unclear.

NM_000057.4(BLM):c.3562G>A (p.Asp1188Asn)

Gene: BLM (BLM RecQ like helicase; plus strand). Cytogenetic location: 15q26.1.
Variant type: single nucleotide variant.
Coding change: c.3562G>A on transcript NM_000057.4 (MANE Select); coding-DNA position 3562, G replaced by A.
Protein change: p.Asp1188Asn; replaces aspartic acid 1188 with asparagine.
Molecular consequence: missense variant. On other transcripts: intron variant (1).
Genome position (GRCh38, 1-based): chr15:90,804,170, G>A. VCF-style: chr15-90804170-G-A. GRCh37 (hg19) VCF-style: chr15-91347400-G-A.
Other names: c.3562G>A, p.Asp1188Asn (NM_001287246.2); c.2437G>A, p.Asp813Asn (NM_001287248.2); c.3359-4967G>A (NM_001287247.2); short protein forms D1188N, D813N.
Identifiers: ClinVar variation 3224536 (VCV003224536.1), dbSNP rs2505549380, ClinGen allele CA393847878.
Genomic context (GRCh38, chr15:90,804,170, plus strand): 5'-TGTATGGGTACAAGTGCACATATACCCACTCCTATGATTTGTTTCTCTCTCATAAAGGTA[G>A]ACTTTATGGAAACAGAAAATTCCAGCAGTGTGAAAAAACAAAAAGCGTTAGTAGCAAAAG-3'
Protein context (NP_000048.1, residues 1178-1198): QTVLNGNLKV[Asp1188Asn]FMETENSSSV